The following is an entry in ClinVar:

NM_006261.5(PROP1):c.352C>T (p.Gln118Ter)

Gene: PROP1 (PROP paired-like homeobox 1; minus strand). Cytogenetic location: 5q35.3.
Variant type: single nucleotide variant.
Coding change: c.352C>T on transcript NM_006261.5 (MANE Select); coding-DNA position 352, C replaced by T.
Protein change: p.Gln118Ter; replaces glutamine 118 with a stop codon.
Molecular consequence: nonsense.
Genome position (GRCh38, 1-based): chr5:177,993,038, G>A on the plus strand (C>T on the coding strand, the complement: PROP1 is on the minus strand). VCF-style: chr5-177993038-G-A. GRCh37 (hg19) VCF-style: chr5-177420039-G-A.
Other names: short protein forms Q118*.
Identifiers: ClinVar variation 1454453 (VCV001454453.8), dbSNP rs2113060683, ClinGen allele CA362378905.

ClinVar aggregate classification (germline): Pathogenic (1 of 4 stars; one submission).

Submission:

Labcorp Genetics (formerly Invitae), Labcorp
Classification: Pathogenic. Last evaluated: 2021-09-25. Review status: criteria provided, single submitter. Criteria: Invitae Variant Classification Sherloc (09022015). Collection method: clinical testing. Allele origin: germline.
Comment: For these reasons, this variant has been classified as Pathogenic. This variant disrupts the C-terminus of the PROP1 protein. Other variant(s) that disrupt this region (p.Trp194*) have been determined to be pathogenic (PMID: 15941866, 20381582, Invitae). This suggests that variants that disrupt this region of the protein are likely to be causative of disease. This variant has not been reported in the literature in individuals with PROP1-related conditions. This variant is not present in population databases (ExAC no frequency). This sequence change creates a premature translational stop signal (p.Gln118*) in the PROP1 gene. While this is not anticipated to result in nonsense mediated decay, it is expected to disrupt the last 109 amino acid(s) of the PROP1 protein.

Literature cited by the submitters: PubMed 15941866; PubMed 20381582.